The following is an entry in ClinVar:

ClinVar aggregate classification (germline): Uncertain significance. Review status: criteria provided, multiple submitters, no conflicts (2 of 4 stars). 4 submissions from 4 submitters: Uncertain significance (4). Last evaluated 2024-02-08.

Conditions:
Inborn genetic diseases. Identifiers: MedGen C0950123, MeSH D030342.
Combined immunodeficiency due to ZAP70 deficiency (IMD48). Also called: Immunodeficiency 48; ZAP70 Deficiency. Identifiers: Orphanet 911, MedGen C2931299, MONDO:0010023, OMIM 269840.

Allele frequency attached by ClinVar (database versions not stated): gnomAD 0.00001; gnomAD exomes 0.00002; TOPMed 0.00002; ExAC 0.00003.
gnomAD v4.1: 28 of 1,613,586 alleles (0.0017%); highest among the groups gnomAD compares: Non-Finnish European, 0.0023%; no homozygotes.

Submissions (4):

Blueprint Genetics
Classification: Uncertain significance. Last evaluated: 2024-02-08. Review status: criteria provided, single submitter. Criteria: ACMG Guidelines, 2015. Collection method: clinical testing. Allele origin: germline.

Ambry Genetics
Classification: Uncertain significance for Inborn genetic diseases. Last evaluated: 2023-12-06. Review status: criteria provided, single submitter. Criteria: Ambry Variant Classification Scheme 2023. Collection method: clinical testing. Allele origin: germline.

Labcorp Genetics (formerly Invitae), Labcorp
Classification: Uncertain significance for Combined immunodeficiency due to ZAP70 deficiency. Last evaluated: 2022-11-03. Review status: criteria provided, single submitter. Criteria: Invitae Variant Classification Sherloc (09022015). Collection method: clinical testing. Allele origin: germline.
Comment: This variant is present in population databases (rs746603586, gnomAD 0.004%). This variant has not been reported in the literature in individuals affected with ZAP70-related conditions. ClinVar contains an entry for this variant (Variation ID: 1309445). Algorithms developed to predict the effect of missense changes on protein structure and function are either unavailable or do not agree on the potential impact of this missense change (SIFT: "Not Available"; PolyPhen-2: "Benign"; Align-GVGD: "Not Available"). In summary, the available evidence is currently insufficient to determine the role of this variant in disease. Therefore, it has been classified as a Variant of Uncertain Significance. This sequence change replaces glycine, which is neutral and non-polar, with serine, which is neutral and polar, at codon 609 of the ZAP70 protein (p.Gly609Ser).

GeneDx
Classification: Uncertain significance. Last evaluated: 2019-08-26. Review status: criteria provided, single submitter. Criteria: GeneDx Variant Classification Process June 2021. Collection method: clinical testing. Allele origin: germline. Affected: yes.
Comment: In silico analysis, which includes protein predictors and evolutionary conservation, supports that this variant does not alter protein structure/function; Has not been previously published as pathogenic or benign to our knowledge

NM_001079.4(ZAP70):c.1825G>A (p.Gly609Ser)

Gene: ZAP70 (zeta chain of T cell receptor associated protein kinase 70; plus strand). Cytogenetic location: 2q11.2.
Variant type: single nucleotide variant.
Coding change: c.1825G>A on transcript NM_001079.4 (MANE Select); coding-DNA position 1825, G replaced by A.
Protein change: p.Gly609Ser; replaces glycine 609 with serine.
Molecular consequence: missense variant.
Genome position (GRCh38, 1-based): chr2:97,739,463, G>A. VCF-style: chr2-97739463-G-A. GRCh37 (hg19) VCF-style: chr2-98355926-G-A.
Other names: c.1825G>A, p.Gly609Ser (NM_001378594.1); c.904G>A, p.Gly302Ser (NM_207519.2); short protein forms G302S, G609S.
Identifiers: ClinVar variation 1309445 (VCV001309445.7), dbSNP rs746603586, ClinGen allele CA1790583.
Genomic context (GRCh38, chr2:97,739,463, plus strand): 5'-GTGGAGCAGCGCATGCGAGCCTGTTACTACAGCCTGGCCAGCAAGGTGGAAGGGCCCCCA[G>A]GCAGCACACAGAAGGCTGAGGCTGCCTGTGCCTGAGCTCCCGCTGCCCAGGGGAGCCCTC-3'
Protein context (NP_001070.2, residues 599-619): SLASKVEGPP[Gly609Ser]STQKAEAACA